The following is an entry in ClinVar:

NM_000135.4(FANCA):c.109C>T (p.Pro37Ser)

Gene: FANCA (FA complementation group A; minus strand). Cytogenetic location: 16q24.3.
Variant type: single nucleotide variant.
Coding change: c.109C>T on transcript NM_000135.4 (MANE Select); coding-DNA position 109, C replaced by T.
Protein change: p.Pro37Ser; replaces proline 37 with serine.
Molecular consequence: missense variant.
Genome position (GRCh38, 1-based): chr16:89,815,957, G>A on the plus strand (C>T on the coding strand, the complement: FANCA is on the minus strand). VCF-style: chr16-89815957-G-A. GRCh37 (hg19) VCF-style: chr16-89882365-G-A.
Other names: c.109C>T (NM_000135.2); c.109C>T, p.Pro37Ser (NM_001018112.3, NM_001286167.3, NM_001351830.2); short protein forms P37S.
Identifiers: ClinVar variation 1363629 (VCV001363629.8), dbSNP rs780833865, ClinGen allele CA8253171.

ClinVar aggregate classification (germline): Uncertain significance. Review status: criteria provided, multiple submitters, no conflicts (2 of 4 stars). 3 submissions from 3 submitters: Uncertain significance (3). Last evaluated 2025-07-23.

Conditions:
Inborn genetic diseases. Identifiers: MedGen C0950123, MeSH D030342.
Fanconi anemia (FA). Also called: Fanconi's anemia. Identifiers: Orphanet 84, MedGen C0015625, MeSH D005199, MONDO:0019391.
Fanconi anemia complementation group A (FANCA). Also called: Fanconi anemia, group A; FANCA-Related Fanconi Anemia. Identifiers: Orphanet 84, MedGen C3469521, MONDO:0009215, OMIM 227650.

Allele frequency attached by ClinVar (database versions not stated): gnomAD exomes 0.00001; ExAC 0.00002; TOPMed 0.00002.
gnomAD v4.1: 10 of 1,614,078 alleles (0.00062%); highest among the groups gnomAD compares: South Asian, 0.0033%; no homozygotes.

Submissions (3):

Labcorp Genetics (formerly Invitae), Labcorp
Classification: Uncertain significance for Fanconi anemia. Last evaluated: 2025-07-23. Review status: criteria provided, single submitter. Criteria: Invitae Variant Classification Sherloc (09022015). Collection method: clinical testing. Allele origin: germline.
Comment: This sequence change replaces proline, which is neutral and non-polar, with serine, which is neutral and polar, at codon 37 of the FANCA protein (p.Pro37Ser). This variant is present in population databases (rs780833865, gnomAD 0.002%). This variant has not been reported in the literature in individuals affected with FANCA-related conditions. ClinVar contains an entry for this variant (Variation ID: 1363629). Invitae Evidence Modeling of protein sequence and biophysical properties (such as structural, functional, and spatial information, amino acid conservation, physicochemical variation, residue mobility, and thermodynamic stability) indicates that this missense variant is not expected to disrupt FANCA protein function with a negative predictive value of 95%. In summary, the available evidence is currently insufficient to determine the role of this variant in disease. Therefore, it has been classified as a Variant of Uncertain Significance.

Ambry Genetics
Classification: Uncertain significance for Inborn genetic diseases. Last evaluated: 2025-01-06. Review status: criteria provided, single submitter. Criteria: Ambry Variant Classification Scheme 2023. Collection method: clinical testing. Allele origin: germline.
Comment: The p.P37S variant (also known as c.109C>T), located in coding exon 2 of the FANCA gene, results from a C to T substitution at nucleotide position 109. The proline at codon 37 is replaced by serine, an amino acid with similar properties. This amino acid position is conserved. In addition, this alteration is predicted to be tolerated by in silico analysis. Based on the available evidence, the clinical significance of this variant remains unclear.

Fulgent Genetics
Classification: Uncertain significance for Fanconi anemia complementation group A. Last evaluated: 2021-11-23. Review status: criteria provided, single submitter. Criteria: ACMG Guidelines, 2015. Collection method: clinical testing. Allele origin: unknown.